The following is an entry in ClinVar:

NM_006502.3(POLH):c.764+1G>A

Gene: POLH (DNA polymerase eta; plus strand). Cytogenetic location: 6p21.1.
Variant type: single nucleotide variant.
Coding change: c.764+1G>A on transcript NM_006502.3 (MANE Select); the canonical splice donor site of the intron after coding-DNA position 764, G replaced by A.
Molecular consequence: splice donor variant.
Genome position (GRCh38, 1-based): chr6:43,601,092, G>A. VCF-style: chr6-43601092-G-A. GRCh37 (hg19) VCF-style: chr6-43568829-G-A.
Other names: c.764+1G>A (NM_001291970.2); c.392+1G>A (NM_001291969.2).
Identifiers: ClinVar variation 224062 (VCV000224062.14), dbSNP rs772570523, ClinGen allele CA204515.
Genomic context (GRCh38, chr6:43,601,092, plus strand): 5'-AACCCTGGTTTCACATGGGTCAGTCCCACAGCTCTTCAGCCAAATGCCCATTCGCAAAAT[G>A]TAAGTATTCAGGCAGCATGTTAAATTTCACTTCTATCCATGTGTAGAAACTCTCTGGTTG-3'

ClinVar aggregate classification (germline): Pathogenic/Likely pathogenic. Review status: criteria provided, multiple submitters, no conflicts (2 of 4 stars). 5 submissions from 5 submitters: Pathogenic (2); Likely pathogenic (2). 1 of the submissions does not count toward it. Last evaluated 2025-06-09.

Conditions:
Xeroderma pigmentosum variant type. Also called: XERODERMA PIGMENTOSUM WITH NORMAL DNA REPAIR RATES; PHOTOSENSITIVITY WITH DEFECTIVE DNA SYNTHESIS; POLH-Related Xeroderma Pigmentosum. Identifiers: Orphanet 90342, MedGen C1848410, MONDO:0010214, OMIM 278750.

Allele frequency attached by ClinVar (database versions not stated): ExAC 0.00001; gnomAD 0.00001; gnomAD exomes below 0.00001 and 0.00001; TOPMed 0.00001.
gnomAD v4.1: 6 of 1,591,314 alleles (0.00038%); highest among the groups gnomAD compares: Admixed American, 0.0033%; no homozygotes.

Submissions (5):

Dasa
Classification: Likely pathogenic. Last evaluated: 2025-06-09. Review status: criteria provided, single submitter. Criteria: DASA Assertion Criteria. Collection method: clinical testing. Allele origin: germline.
Comment: NM_006502.3(POLH):c.764+1G>A introduces a premature termination codon predicted to result in loss of normal protein function. Loss-of-function is an established mechanism of disease for this gene. This variant has been observed in affected individuals with related phenotype in a genotype context consistent with recessive disease (PMID: 32265042; PMID: 27004399). This variant has been recurrently observed in individuals with related phenotype (PMID: 32265042; PMID: 27004399). The variant is present at low frequency in population datasets. Based on the available data, this variant is classified as likely pathogenic.

Fulgent Genetics
Classification: Likely pathogenic for Xeroderma pigmentosum variant type. Last evaluated: 2024-05-17. Review status: criteria provided, single submitter. Criteria: ACMG Guidelines, 2015. Collection method: clinical testing. Allele origin: germline.

Labcorp Genetics (formerly Invitae), Labcorp
Classification: Pathogenic. Last evaluated: 2023-06-02. Review status: criteria provided, single submitter. Criteria: Invitae Variant Classification Sherloc (09022015). Collection method: clinical testing. Allele origin: germline.
Comment: For these reasons, this variant has been classified as Pathogenic. Studies have shown that disruption of this splice site is associated with altered splicing resulting in multiple RNA products (PMID: 27004399). This sequence change affects a donor splice site in intron 6 of the POLH gene. It is expected to disrupt RNA splicing. Variants that disrupt the donor or acceptor splice site typically lead to a loss of protein function (PMID: 16199547), and loss-of-function variants in POLH are known to be pathogenic (PMID: 11773631, 24130121, 25256075). This variant is present in population databases (rs772570523, gnomAD 0.008%). Disruption of this splice site has been observed in individual(s) with xeroderma pigmentosum (PMID: 27004399). It has also been observed to segregate with disease in related individuals. ClinVar contains an entry for this variant (Variation ID: 224062).

DNA Repair Laboratory, Institute of Biomedical Sciences - University of Sao Paulo
Classification: Pathogenic for Xeroderma pigmentosum variant type. Last evaluated: 2013-01-01. Review status: criteria provided, single submitter. Criteria: DNA Repair Laboratory General Variant Analysis Guidelines (Version 1). Collection method: research. Allele origin: germline. Affected: yes. Observed: 16 variant alleles.

GeneReviews
No classification provided. Condition: Xeroderma pigmentosum variant type. Review status: no classification provided. Collection method: literature only. Allele origin: germline. Affected: yes. Not counted in ClinVar's aggregate classification.

Literature cited by the submitters: PubMed 32265042 (cited by Dasa); PubMed 27004399 (cited by 3 submitters); PubMed 16199547 (cited by Labcorp Genetics (formerly Invitae), Labcorp); PubMed 11773631 (cited by Labcorp Genetics (formerly Invitae), Labcorp); PubMed 24130121 (cited by Labcorp Genetics (formerly Invitae), Labcorp); PubMed 25256075 (cited by Labcorp Genetics (formerly Invitae), Labcorp); NCBI Bookshelf NBK1397 (cited by GeneReviews).